The following is an entry in ClinVar:

ClinVar aggregate classification (germline): Uncertain significance. Review status: criteria provided, multiple submitters, no conflicts (2 of 4 stars). 2 submissions from 2 submitters: Uncertain significance (2). Last evaluated 2025-12-05.

Conditions:
Inborn genetic diseases. Identifiers: MedGen C0950123, MeSH D030342.
Fetal akinesia deformation sequence 1 (FADS1). Also called: Pena-Shokeir syndrome type I; Fetal akinesia sequence. Identifiers: Orphanet 994, MedGen C1276035, MONDO:0100101, OMIM 208150, HP:0001989.
Congenital myasthenic syndrome 10. Also called: Myasthenia, limb-girdle, familial. Identifiers: Orphanet 590, MedGen C1850792, MONDO:0009690, OMIM 254300.

Allele frequency attached by ClinVar (database versions not stated): gnomAD exomes below 0.00001 and 0.00001; TOPMed below 0.00001.
gnomAD v4.1: 1 of 1,569,566 alleles (0.000064%); highest among the groups gnomAD compares: Admixed American, 0.0019%; no homozygotes.

Submissions (2):

Ambry Genetics
Classification: Uncertain significance for Inborn genetic diseases. Last evaluated: 2025-12-05. Review status: criteria provided, single submitter. Criteria: Ambry Variant Classification Scheme 2023. Collection method: clinical testing. Allele origin: germline.

Labcorp Genetics (formerly Invitae), Labcorp
Classification: Uncertain significance for Congenital myasthenic syndrome 10; Fetal akinesia deformation sequence 1. Last evaluated: 2021-08-26. Review status: criteria provided, single submitter. Criteria: Invitae Variant Classification Sherloc (09022015). Collection method: clinical testing. Allele origin: germline.
Comment: This sequence change replaces leucine with arginine at codon 239 of the DOK7 protein (p.Leu239Arg). The leucine residue is moderately conserved and there is a moderate physicochemical difference between leucine and arginine. This variant is not present in population databases (ExAC no frequency). This variant has not been reported in the literature in individuals affected with DOK7-related conditions. Algorithms developed to predict the effect of missense changes on protein structure and function are either unavailable or do not agree on the potential impact of this missense change (SIFT: "Tolerated"; PolyPhen-2: "Probably Damaging"; Align-GVGD: "Class C0"). In summary, the available evidence is currently insufficient to determine the role of this variant in disease. Therefore, it has been classified as a Variant of Uncertain Significance.

NM_173660.5(DOK7):c.716T>G (p.Leu239Arg)

Genes: DOK7 (docking protein 7; plus strand), LOC129992118 (ATAC-STARR-seq lymphoblastoid silent region 15206; plus strand). Cytogenetic location: 4p16.3.
Variant type: single nucleotide variant.
Coding change: c.716T>G on transcript NM_173660.5 (MANE Select); coding-DNA position 716, T replaced by G.
Protein change: p.Leu239Arg; replaces leucine 239 with arginine.
Molecular consequence: missense variant. On other transcripts: synonymous variant (1), 5 prime UTR variant (1).
Genome position (GRCh38, 1-based): chr4:3,489,740, T>G. VCF-style: chr4-3489740-T-G. GRCh37 (hg19) VCF-style: chr4-3491467-T-G.
Other names: c.705T>G, p.Pro235= (NM_001164673.2); c.-215T>G (NM_001256896.2); c.716T>G, p.Leu239Arg (NM_001301071.2); c.284T>G, p.Leu95Arg (NM_001363811.2); c.716T>G (NM_173660.4); short protein forms L239R, L95R.
Identifiers: ClinVar variation 1388384 (VCV001388384.6), dbSNP rs1023898774, ClinGen allele CA91549057.